The following is an entry in ClinVar:

NM_170707.4(LMNA):c.93G>A (p.Glu31=)

Genes: LMNA (lamin A/C; plus strand), LOC129931597 (ATAC-STARR-seq lymphoblastoid silent region 1421; plus strand). Cytogenetic location: 1q22.
Variant type: single nucleotide variant.
Coding change: c.93G>A on transcript NM_170707.4 (MANE Select); coding-DNA position 93, G replaced by A.
Protein change: p.Glu31=; no amino-acid change (glutamic acid 31 retained).
Molecular consequence: synonymous variant.
Genome position (GRCh38, 1-based): chr1:156,115,011, G>A. VCF-style: chr1-156115011-G-A. GRCh37 (hg19) VCF-style: chr1-156084802-G-A.
Other names: c.93G>A, p.Glu31= (NM_001282625.2, NM_001282626.2, NM_005572.4 and 1 more transcripts).
Identifiers: ClinVar variation 242006 (VCV000242006.17), dbSNP rs878855235, ClinGen allele CA10581726.

ClinVar aggregate classification (germline): Likely benign. Review status: criteria provided, multiple submitters, no conflicts (2 of 4 stars). 5 submissions from 5 submitters: Likely benign (5). Last evaluated 2025-12-02.

Conditions:
Cardiovascular phenotype. Identifiers: MedGen CN230736.
Charcot-Marie-Tooth disease type 2. Also called: Charcot-Marie-Tooth type 2. Identifiers: Orphanet 64746, MedGen C0270914, MONDO:0018993.
Cardiomyopathy (CMYO). Also called: Cardiomyopathies. Identifiers: Orphanet 167848, MedGen C0878544, MONDO:0004994, HP:0001638. Inheritance: Various modes of inheritance.
Primary dilated cardiomyopathy (DCM). Also called: Dilated Cardiomyopathy. Identifiers: Orphanet 217604, MedGen C0007193, MeSH D002311, MONDO:0005021, HP:0001644. Inheritance: Various modes of inheritance.

Allele frequency attached by ClinVar (database versions not stated): gnomAD 0.00001; gnomAD exomes 0.00001.
gnomAD v4.1: 5 of 1,601,006 alleles (0.00031%); highest among the groups gnomAD compares: Admixed American, 0.0085%; no homozygotes.

Submissions (5):

Labcorp Genetics (formerly Invitae), Labcorp
Classification: Likely benign for Charcot-Marie-Tooth disease type 2. Last evaluated: 2025-12-02. Review status: criteria provided, single submitter. Criteria: Invitae Variant Classification Sherloc (09022015). Collection method: clinical testing. Allele origin: germline.

Ambry Genetics
Classification: Likely benign for Cardiovascular phenotype. Last evaluated: 2025-01-13. Review status: criteria provided, single submitter. Criteria: Ambry Variant Classification Scheme 2023. Collection method: clinical testing. Allele origin: germline.

All of Us Research Program, National Institutes of Health
Classification: Likely benign for Primary dilated cardiomyopathy. Last evaluated: 2024-07-20. Review status: criteria provided, single submitter. Criteria: ACMG Guidelines, 2015. Collection method: clinical testing. Allele origin: germline. Inheritance: Autosomal dominant inheritance. Observed: 1 variant allele, 1 heterozygote.
Comment: This study involves interpretation of variants in research participants for the purpose of population health screening. Participant phenotype was not available at the time of variant classification. Additional details can be found in publication PMID: 35346344, PMCID: PMC8962531

Blueprint Genetics
Classification: Likely benign. Last evaluated: 2022-12-02. Review status: criteria provided, single submitter. Criteria: ACMG Guidelines, 2015. Collection method: clinical testing. Allele origin: germline.

Color Diagnostics, LLC DBA Color Health
Classification: Likely benign for Cardiomyopathy. Last evaluated: 2019-11-13. Review status: criteria provided, single submitter. Criteria: ACMG Guidelines, 2015. Collection method: clinical testing. Allele origin: germline.